The following is an entry in ClinVar:

NM_005802.5(TOPORS):c.940T>G (p.Leu314Val)

Gene: TOPORS (TOP1 binding arginine/serine rich protein, E3 ubiquitin ligase; minus strand). Cytogenetic location: 9p21.1.
Variant type: single nucleotide variant.
Coding change: c.940T>G on transcript NM_005802.5 (MANE Select); coding-DNA position 940, T replaced by G.
Protein change: p.Leu314Val; replaces leucine 314 with valine.
Molecular consequence: missense variant.
Genome position (GRCh38, 1-based): chr9:32,543,585, A>C on the plus strand (T>G on the coding strand, the complement: TOPORS is on the minus strand). VCF-style: chr9-32543585-A-C. GRCh37 (hg19) VCF-style: chr9-32543583-A-C.
Other names: c.745T>G, p.Leu249Val (NM_001195622.2); short protein forms L314V, L249V.
Identifiers: ClinVar variation 2001301 (VCV002001301.4), dbSNP rs2489452859, ClinGen allele CA373171551.

ClinVar aggregate classification (germline): Uncertain significance (1 of 4 stars; one submission).

Submission:

Labcorp Genetics (formerly Invitae), Labcorp
Classification: Uncertain significance. Last evaluated: 2022-06-10. Review status: criteria provided, single submitter. Criteria: Invitae Variant Classification Sherloc (09022015). Collection method: clinical testing. Allele origin: germline.
Comment: In summary, the available evidence is currently insufficient to determine the role of this variant in disease. Therefore, it has been classified as a Variant of Uncertain Significance. Algorithms developed to predict the effect of missense changes on protein structure and function are either unavailable or do not agree on the potential impact of this missense change (SIFT: "Tolerated"; PolyPhen-2: "Probably Damaging"; Align-GVGD: "Class C0"). This variant has not been reported in the literature in individuals affected with TOPORS-related conditions. This variant is not present in population databases (gnomAD no frequency). This sequence change replaces leucine, which is neutral and non-polar, with valine, which is neutral and non-polar, at codon 314 of the TOPORS protein (p.Leu314Val).